The following is an entry in ClinVar:

NM_024741.3(ZNF408):c.71G>A (p.Gly24Asp)

Gene: ZNF408 (zinc finger protein 408; plus strand). Cytogenetic location: 11p11.2.
Variant type: single nucleotide variant.
Coding change: c.71G>A on transcript NM_024741.3 (MANE Select); coding-DNA position 71, G replaced by A.
Protein change: p.Gly24Asp; replaces glycine 24 with aspartic acid.
Molecular consequence: missense variant.
Genome position (GRCh38, 1-based): chr11:46,701,417, G>A. VCF-style: chr11-46701417-G-A. GRCh37 (hg19) VCF-style: chr11-46722967-G-A.
Other names: c.47G>A, p.Gly16Asp (NM_001184751.2); short protein forms G16D, G24D.
Identifiers: ClinVar variation 2000756 (VCV002000756.4), dbSNP rs2064703823, ClinGen allele CA380251454.

ClinVar aggregate classification (germline): Uncertain significance (1 of 4 stars; one submission).

Allele frequency attached by ClinVar (database versions not stated): TOPMed below 0.00001.

Submission:

Labcorp Genetics (formerly Invitae), Labcorp
Classification: Uncertain significance. Last evaluated: 2022-05-29. Review status: criteria provided, single submitter. Criteria: Invitae Variant Classification Sherloc (09022015). Collection method: clinical testing. Allele origin: germline.
Comment: In summary, the available evidence is currently insufficient to determine the role of this variant in disease. Therefore, it has been classified as a Variant of Uncertain Significance. Algorithms developed to predict the effect of missense changes on protein structure and function output the following: SIFT: "Deleterious"; PolyPhen-2: "Benign"; Align-GVGD: "Class C0". The aspartic acid amino acid residue is found in multiple mammalian species, which suggests that this missense change does not adversely affect protein function. This variant has not been reported in the literature in individuals affected with ZNF408-related conditions. This variant is not present in population databases (gnomAD no frequency). This sequence change replaces glycine, which is neutral and non-polar, with aspartic acid, which is acidic and polar, at codon 24 of the ZNF408 protein (p.Gly24Asp).